The following is an entry in ClinVar:

ClinVar aggregate classification (germline): Uncertain significance (1 of 4 stars; one submission).

Conditions:
Primary ciliary dyskinesia. Also called: Ciliary dyskinesia. Identifiers: Orphanet 244, MedGen C0008780, MONDO:0016575, HP:0012265.

gnomAD v4.1: 3 of 1,613,072 alleles (0.00019%); highest among the groups gnomAD compares: Non-Finnish European, 0.00017%; no homozygotes.

Submission:

Ambry Genetics
Classification: Uncertain significance for Primary ciliary dyskinesia. Last evaluated: 2021-06-25. Review status: criteria provided, single submitter. Criteria: Ambry Variant Classification Scheme 2023. Collection method: clinical testing. Allele origin: germline.
Comment: The p.R351L variant (also known as c.1052G>T), located in coding exon 7 of the CCDC40 gene, results from a G to T substitution at nucleotide position 1052. The arginine at codon 351 is replaced by leucine, an amino acid with dissimilar properties. This amino acid position is conserved. In addition, this alteration is predicted to be tolerated by in silico analysis. Since supporting evidence is limited at this time, the clinical significance of this alteration remains unclear.

NM_017950.4(CCDC40):c.1052G>T (p.Arg351Leu)

Gene: CCDC40 (coiled-coil domain 40 molecular ruler complex subunit; plus strand). Cytogenetic location: 17q25.3.
Variant type: single nucleotide variant.
Coding change: c.1052G>T on transcript NM_017950.4 (MANE Select); coding-DNA position 1052, G replaced by T.
Protein change: p.Arg351Leu; replaces arginine 351 with leucine.
Molecular consequence: missense variant.
Genome position (GRCh38, 1-based): chr17:80,050,176, G>T. VCF-style: chr17-80050176-G-T. GRCh37 (hg19) VCF-style: chr17-78023975-G-T.
Other names: c.1052G>T, p.Arg351Leu (NM_001243342.2, NM_001330508.2); short protein forms R351L.
Identifiers: ClinVar variation 1777626 (VCV001777626.2), dbSNP rs61736668, ClinGen allele CA8813666.
Genomic context (GRCh38, chr17:80,050,176, plus strand): 5'-TCTATGAGGTGCAGCAGCACCTGGTACACCTGCAGAAGCTGCTGGAGAAGAGTCACGACC[G>T]CCACGCAATGGCCTCGAGCGAGCGCAGGCAGAAGGAGGAGGAGCTGCAGGCCGCCCGCGC-3'
Protein context (NP_060420.2, residues 341-361): LQKLLEKSHD[Arg351Leu]HAMASSERRQ